The following is an entry in ClinVar:

ClinVar aggregate classification (germline): Uncertain significance (1 of 4 stars; one submission).

Allele frequency attached by ClinVar (database versions not stated): TOPMed 0.00001; 1000 Genomes Project 30x 0.00016; 1000 Genomes Project 0.00020.

Submission:

Labcorp Genetics (formerly Invitae), Labcorp
Classification: Uncertain significance. Last evaluated: 2025-10-04. Review status: criteria provided, single submitter. Criteria: Invitae Variant Classification Sherloc (09022015). Collection method: clinical testing. Allele origin: germline.
Comment: This sequence change replaces histidine, which is basic and polar, with proline, which is neutral and non-polar, at codon 881 of the GEN1 protein (p.His881Pro). This variant is present in population databases (rs201891945, gnomAD 0.02%). This variant has not been reported in the literature in individuals affected with GEN1-related conditions. ClinVar contains an entry for this variant (Variation ID: 838039). An algorithm developed to predict the effect of missense changes on protein structure and function outputs the following: PolyPhen-2: "Benign". The proline amino acid residue is found in multiple mammalian species, which suggests that this missense change does not adversely affect protein function. In summary, the available evidence is currently insufficient to determine the role of this variant in disease. Therefore, it has been classified as a Variant of Uncertain Significance.

NM_001130009.3(GEN1):c.2642A>C (p.His881Pro)

Gene: GEN1 (GEN1 structure-specific endonuclease; plus strand). Cytogenetic location: 2p24.2.
Variant type: single nucleotide variant.
Coding change: c.2642A>C on transcript NM_001130009.3 (MANE Select); coding-DNA position 2642, A replaced by C.
Protein change: p.His881Pro; replaces histidine 881 with proline.
Molecular consequence: missense variant.
Genome position (GRCh38, 1-based): chr2:17,781,854, A>C. VCF-style: chr2-17781854-A-C. GRCh37 (hg19) VCF-style: chr2-17963121-A-C.
Other names: c.2642A>C, p.His881Pro (NM_182625.5); short protein forms H881P.
Identifiers: ClinVar variation 838039 (VCV000838039.8), dbSNP rs201891945, ClinGen allele CA1540996.